The following is an entry in ClinVar:

NM_001042492.3(NF1):c.4187G>A (p.Arg1396His)

Gene: NF1 (neurofibromin 1; plus strand). Cytogenetic location: 17q11.2.
Variant type: single nucleotide variant.
Coding change: c.4187G>A on transcript NM_001042492.3 (MANE Select); coding-DNA position 4187, G replaced by A.
Protein change: p.Arg1396His; replaces arginine 1396 with histidine.
Molecular consequence: missense variant.
Genome position (GRCh38, 1-based): chr17:31,258,357, G>A. VCF-style: chr17-31258357-G-A. GRCh37 (hg19) VCF-style: chr17-29585375-G-A.
Other names: c.4124G>A, p.Arg1375His (NM_000267.4); short protein forms R1396H, R1375H.
Identifiers: ClinVar variation 219424 (VCV000219424.37), dbSNP rs368685980, ClinGen allele CA348726.

ClinVar aggregate classification (germline): Conflicting classifications of pathogenicity. Review status: criteria provided, conflicting classifications (1 of 4 stars). 6 submissions from 6 submitters: Uncertain significance (5); Likely benign (1). Last evaluated 2026-01-28.

Conditions:
Hereditary cancer-predisposing syndrome. Also called: Neoplastic Syndromes, Hereditary; Hereditary Cancer Syndrome; Tumor predisposition; Hereditary neoplastic syndrome. Identifiers: Orphanet 140162, MedGen C0027672, MeSH D009386, MONDO:0015356.
Cardiovascular phenotype. Identifiers: MedGen CN230736.
Juvenile myelomonocytic leukemia (JMML). Also called: LEUKEMIA, JUVENILE MYELOMONOCYTIC, SOMATIC. Identifiers: Orphanet 86834, MedGen C0349639, MONDO:0011908, OMIM 607785, HP:0012209.
Neurofibromatosis, familial spinal (FSNF). Identifiers: Orphanet 636, MedGen C1834235, MONDO:0008078, OMIM 162210. Disease mechanism: loss of function.
Neurofibromatosis-Noonan syndrome (NFNS). Also called: NEUROFIBROMATOSIS WITH NOONAN PHENOTYPE. Identifiers: Orphanet 638, MedGen C2931482, MONDO:0011035, OMIM 601321. Disease mechanism: loss of function.
Café-au-lait macules with pulmonary stenosis (WTSN). Also called: PULMONIC STENOSIS WITH CAFE-AU-LAIT SPOTS. Identifiers: MedGen C0553586, MONDO:0008672, OMIM 193520.
Neurofibromatosis, type 1 (NF1). Also called: VON RECKLINGHAUSEN DISEASE; Peripheral type neurofibromatosis; NEUROFIBROMATOSIS, TYPE I, SOMATIC; Neurofibromatosis, type I. Identifiers: Orphanet 636, MedGen C0027831, MONDO:0018975, OMIM 162200. Disease mechanism: loss of function.

Allele frequency attached by ClinVar (database versions not stated): gnomAD exomes below 0.00001 and 0.00002; ExAC 0.00001; gnomAD 0.00001; TOPMed 0.00001; ESP Exome Variant Server 0.00008.
gnomAD v4.1: 32 of 1,613,572 alleles (0.002%); highest among the groups gnomAD compares: Non-Finnish European, 0.0024%; no homozygotes.

Submissions (6):

Labcorp Genetics (formerly Invitae), Labcorp
Classification: Likely benign for Neurofibromatosis, type 1. Last evaluated: 2026-01-28. Review status: criteria provided, single submitter. Criteria: Invitae Variant Classification Sherloc (09022015). Collection method: clinical testing. Allele origin: germline.

Baylor Genetics
Classification: Uncertain significance for Juvenile myelomonocytic leukemia. Last evaluated: 2024-02-19. Review status: criteria provided, single submitter. Criteria: ACMG Guidelines, 2015. Collection method: clinical testing. Allele origin: unknown.

CeGaT Center for Human Genetics Tuebingen
Classification: Uncertain significance. Last evaluated: 2024-02-01. Review status: criteria provided, single submitter. Criteria: CeGaT Center For Human Genetics Tuebingen Variant Classification Criteria Version 2. Collection method: clinical testing. Allele origin: germline. Affected: yes. Observed: 1 variant allele.
Comment: NF1: PM2, PP3

Ambry Genetics
Classification: Uncertain significance for Cardiovascular phenotype; Hereditary cancer-predisposing syndrome. Last evaluated: 2022-11-22. Review status: criteria provided, single submitter. Criteria: Ambry Variant Classification Scheme 2023. Collection method: clinical testing. Allele origin: germline.

Fulgent Genetics
Classification: Uncertain significance for Neurofibromatosis, type 1; Neurofibromatosis, familial spinal; Café-au-lait macules with pulmonary stenosis; Neurofibromatosis-Noonan syndrome; Juvenile myelomonocytic leukemia. Last evaluated: 2022-05-06. Review status: criteria provided, single submitter. Criteria: ACMG Guidelines, 2015. Collection method: clinical testing. Allele origin: unknown.

Genome-Nilou Lab
Classification: Uncertain significance for Neurofibromatosis, type 1. Last evaluated: 2022-03-15. Review status: criteria provided, single submitter. Criteria: ACMG Guidelines, 2015. Collection method: clinical testing. Allele origin: germline. Affected: no.